The following is an entry in ClinVar:

NM_001048174.2(MUTYH):c.23T>A (p.Val8Glu)

Gene: MUTYH (mutY DNA glycosylase; minus strand). Cytogenetic location: 1p34.1.
Variant type: single nucleotide variant.
Coding change: c.23T>A on transcript NM_001048174.2 (MANE Select); coding-DNA position 23, T replaced by A.
Protein change: p.Val8Glu; replaces valine 8 with glutamic acid.
Molecular consequence: missense variant. On other transcripts: 5 prime UTR variant (7), non-coding transcript variant (7).
Genome position (GRCh38, 1-based): chr1:45,334,483, A>T on the plus strand (T>A on the coding strand, the complement: MUTYH is on the minus strand). VCF-style: chr1-45334483-A-T. GRCh37 (hg19) VCF-style: chr1-45800155-A-T.
Other names: c.23T>A, p.Val8Glu (NM_001048171.2, NM_001048172.2, NM_001048173.2 and 15 more transcripts); c.65T>A, p.Val22Glu (NM_001128425.2, NM_001293190.2, NM_001407069.1 and 2 more transcripts); c.-190T>A (NM_001293192.2, NM_001293196.2, NM_001407091.1); c.-249T>A (NM_001350650.2); c.-185T>A (NM_001350651.2, NM_001407082.1); c.-134T>A (NM_001407075.1); c.41T>A, p.Val14Glu (NM_001407087.1); short protein forms V14E, V22E, V8E.
Identifiers: ClinVar variation 4113785 (VCV004113785.1).
Genomic context (GRCh38, chr1:45,334,483, plus strand): 5'-TTCTTAGCATGCTTCTGCCTCCCTTCCTGGCTGGCTGCCTGCTTCCTGTGACCACTTCCC[A>T]CGGCTGCTCGTGGCTTCCTCATGATGGCCTGAAACAAAAAGACCCAGCCAAAGCAGTCAG-3'
Protein context (NP_001041639.1, residues 1-18): MRKPRAA[Val8Glu]GSGHRKQAAS

ClinVar aggregate classification (germline): Uncertain significance (1 of 4 stars; one submission).

Conditions:
Hereditary cancer-predisposing syndrome. Also called: Hereditary neoplastic syndrome; Neoplastic Syndromes, Hereditary; Tumor predisposition; Hereditary Cancer Syndrome. Identifiers: Orphanet 140162, MedGen C0027672, MeSH D009386, MONDO:0015356.

Submission:

Ambry Genetics
Classification: Uncertain significance for Hereditary cancer-predisposing syndrome. Last evaluated: 2025-08-27. Review status: criteria provided, single submitter. Criteria: Ambry Variant Classification Scheme 2023. Collection method: clinical testing. Allele origin: germline.
Comment: The p.V22E variant (also known as c.65T>A), located in coding exon 2 of the MUTYH gene, results from a T to A substitution at nucleotide position 65. The valine at codon 22 is replaced by glutamic acid, an amino acid with dissimilar properties. This amino acid position is conserved. In addition, this alteration is predicted to be tolerated by in silico analysis. Based on the available evidence, the clinical significance of this variant remains unclear.